The following is an entry in ClinVar:

ClinVar aggregate classification (germline): Uncertain significance (1 of 4 stars; one submission).

Conditions:
Nemaline myopathy 6 (NEM6). Also called: Nemaline myopathy 6, autosomal dominant. Identifiers: Orphanet 171439, MedGen C1836472, MONDO:0012237, OMIM 609273.

Allele frequency attached by ClinVar (database versions not stated): gnomAD 0.00001; gnomAD exomes 0.00002 and 0.00004; ExAC 0.00009.
gnomAD v4.1: 62 of 1,562,932 alleles (0.004%); highest among the groups gnomAD compares: Non-Finnish European, 0.0051%; no homozygotes.

Submission:

Labcorp Genetics (formerly Invitae), Labcorp
Classification: Uncertain significance for Nemaline myopathy 6. Last evaluated: 2024-03-16. Review status: criteria provided, single submitter. Criteria: Invitae Variant Classification Sherloc (09022015). Collection method: clinical testing. Allele origin: germline.
Comment: This sequence change replaces glycine, which is neutral and non-polar, with aspartic acid, which is acidic and polar, at codon 15 of the KBTBD13 protein (p.Gly15Asp). The frequency data for this variant in the population databases is considered unreliable, as metrics indicate poor data quality at this position in the gnomAD database. This variant has not been reported in the literature in individuals affected with KBTBD13-related conditions. ClinVar contains an entry for this variant (Variation ID: 1010340). Advanced modeling of protein sequence and biophysical properties (such as structural, functional, and spatial information, amino acid conservation, physicochemical variation, residue mobility, and thermodynamic stability) performed at Invitae indicates that this missense variant is not expected to disrupt KBTBD13 protein function with a negative predictive value of 80%. In summary, the available evidence is currently insufficient to determine the role of this variant in disease. Therefore, it has been classified as a Variant of Uncertain Significance.

NM_001101362.3(KBTBD13):c.44G>A (p.Gly15Asp)

Gene: KBTBD13 (kelch repeat and BTB domain containing 13; plus strand). Cytogenetic location: 15q22.31.
Variant type: single nucleotide variant.
Coding change: c.44G>A on transcript NM_001101362.3 (MANE Select); coding-DNA position 44, G replaced by A.
Protein change: p.Gly15Asp; replaces glycine 15 with aspartic acid.
Molecular consequence: missense variant.
Genome position (GRCh38, 1-based): chr15:65,076,859, G>A. VCF-style: chr15-65076859-G-A. GRCh37 (hg19) VCF-style: chr15-65369197-G-A.
Other names: short protein forms G15D.
Identifiers: ClinVar variation 1010340 (VCV001010340.8), dbSNP rs746640081, ClinGen allele CA7613847.
Genomic context (GRCh38, chr15:65,076,859, plus strand): 5'-CGCCCGGCCAGCTCGCCATGGCACGGGGTCCACAGACCCTGGTGCAGGTGTGGGTGGGCG[G>A]CCAGCTCTTCCAAGCCGACCGCGCCCTGCTGGTGGAGCACTGTGGCTTCTTCCGAGGCCT-3'
Protein context (NP_001094832.1, residues 5-25): PQTLVQVWVG[Gly15Asp]QLFQADRALL